The following is an entry in ClinVar:

ClinVar aggregate classification (germline): Uncertain significance. Review status: criteria provided, multiple submitters, no conflicts (2 of 4 stars). 2 submissions from 2 submitters: Uncertain significance (2). Last evaluated 2025-12-25.

Conditions:
Familial cold autoinflammatory syndrome 2 (FCAS2). Identifiers: Orphanet 247868, MedGen C2673198, MONDO:0012724, OMIM 611762.
Inborn genetic diseases. Identifiers: MedGen C0950123, MeSH D030342.

gnomAD v4.1: 5 of 1,614,134 alleles (0.00031%); highest among the groups gnomAD compares: South Asian, 0.0011%; no homozygotes.

Submissions (2):

Labcorp Genetics (formerly Invitae), Labcorp
Classification: Uncertain significance for Familial cold autoinflammatory syndrome 2. Last evaluated: 2025-12-25. Review status: criteria provided, single submitter. Criteria: Invitae Variant Classification Sherloc (09022015). Collection method: clinical testing. Allele origin: germline.
Comment: This sequence change replaces arginine, which is basic and polar, with glycine, which is neutral and non-polar, at codon 243 of the NLRP12 protein (p.Arg243Gly). This variant is not present in population databases (gnomAD no frequency). This variant has not been reported in the literature in individuals affected with NLRP12-related conditions. ClinVar contains an entry for this variant (Variation ID: 3406098). Invitae Evidence Modeling of protein sequence and biophysical properties (such as structural, functional, and spatial information, amino acid conservation, physicochemical variation, residue mobility, and thermodynamic stability) indicates that this missense variant is expected to disrupt NLRP12 protein function with a positive predictive value of 80%. In summary, the available evidence is currently insufficient to determine the role of this variant in disease. Therefore, it has been classified as a Variant of Uncertain Significance.

Ambry Genetics
Classification: Uncertain significance for Inborn genetic diseases. Last evaluated: 2024-07-05. Review status: criteria provided, single submitter. Criteria: Ambry Variant Classification Scheme 2023. Collection method: clinical testing. Allele origin: germline.

NM_144687.4(NLRP12):c.727A>G (p.Arg243Gly)

Gene: NLRP12 (NLR family pyrin domain containing 12; minus strand). Cytogenetic location: 19q13.42.
Variant type: single nucleotide variant.
Coding change: c.727A>G on transcript NM_144687.4 (MANE Select); coding-DNA position 727, A replaced by G.
Protein change: p.Arg243Gly; replaces arginine 243 with glycine.
Molecular consequence: missense variant.
Genome position (GRCh38, 1-based): chr19:53,810,932, T>C on the plus strand (A>G on the coding strand, the complement: NLRP12 is on the minus strand). VCF-style: chr19-53810932-T-C. GRCh37 (hg19) VCF-style: chr19-54314186-T-C.
Other names: c.727A>G, p.Arg243Gly (NM_001277126.2, NM_001277129.1); short protein forms R243G.
Identifiers: ClinVar variation 3406098 (VCV003406098.2).
Genomic context (GRCh38, chr19:53,810,932, plus strand): 5'-TGCATTCCGTGGCACTCTGGTTCATCTCCCTGCAGTTGATGTAGAAGAGATAATCAAATC[T>C]GCCTTGGAAGAGCTTCCCGTCCGCCCAGTCCAGCATCACCTTGTGTGCCAGCATGGACTT-3'
Protein context (NP_653288.1, residues 233-253): DWADGKLFQG[Arg243Gly]FDYLFYINCR